The following is an entry in ClinVar:

ClinVar aggregate classification (germline): Pathogenic (1 of 4 stars; one submission).

Conditions:
Autosomal recessive limb-girdle muscular dystrophy type 2E (LGMDR4). Also called: MUSCULAR DYSTROPHY, LIMB-GIRDLE, AUTOSOMAL RECESSIVE 4. Identifiers: Orphanet 119, MedGen C1858593, MONDO:0011423, OMIM 604286. Disease mechanism: Affects gamma-sarcoglycan and also disrupts the integrity of the entire sarcoglycan complex..

Submission:

Myriad Genetics, Inc.
Classification: Pathogenic for Autosomal recessive limb-girdle muscular dystrophy type 2E. Last evaluated: 2024-01-14. Review status: criteria provided, single submitter. Criteria: Myriad Autosomal Dominant, Autosomal Recessive and X-Linked Classification Criteria (2023). Collection method: clinical testing. Allele origin: unknown.
Comment: NM_000232.4(SGCB):c.383delG(G128Efs*28) is expected to be pathogenic in the context of beta-sarcoglycanopathy. This variant is predicted to lead to an abnormal or absent protein product due to the creation of a premature termination codon in SGCB, a gene where loss-of-function variants are known to be pathogenic. Please note: this variant was assessed in the context of healthy population screening.

NM_000232.5(SGCB):c.383del (p.Gly128fs)

Gene: SGCB (sarcoglycan beta; minus strand). Cytogenetic location: 4q12.
Variant type: Deletion.
Coding change: c.383del on transcript NM_000232.5 (MANE Select); coding-DNA position 383, one base deleted (G; older notation c.383delG).
Protein change: p.Gly128fs; shifts the reading frame from glycine 128.
Molecular consequence: frameshift variant.
Genome position (GRCh38, 1-based): chr4:52,029,724, C deleted on the plus strand (G on the coding strand, the reverse complement: SGCB is on the minus strand); the first of 2 consecutive C bases (chr4:52,029,724-52,029,725); deleting either gives the same sequence. VCF-style (leftmost placement, unchanged base first): chr4-52029723-TC-T. GRCh37 (hg19) VCF-style: chr4-52895889-TC-T.
Other names: c.173del, p.Gly58fs (NM_001440519.1); c.86del, p.Gly29fs (NM_001440520.1); short protein forms G128fs, G29fs, G58fs.
Identifiers: ClinVar variation 5012646 (VCV005012646.1).